The following is an entry in ClinVar:

ClinVar aggregate classification (germline): Uncertain significance (0 of 4 stars; one submission).

Allele frequency attached by ClinVar (database versions not stated): gnomAD exomes below 0.00001.

Submission:

Richard Lifton Laboratory, Yale University School of Medicine
Classification: Uncertain significance. Review status: no assertion criteria provided. Collection method: not provided. Allele origin: somatic.
Comment: ABCC5
ClinVar note: Converted during submission from unknown to Uncertain significance.

NM_005688.4(ABCC5):c.1925A>G (p.Asn642Ser)

Gene: ABCC5 (ATP binding cassette subfamily C member 5; minus strand). Cytogenetic location: 3q27.1.
Variant type: single nucleotide variant.
Coding change: c.1925A>G on transcript NM_005688.4 (MANE Select); coding-DNA position 1925, A replaced by G.
Protein change: p.Asn642Ser; replaces asparagine 642 with serine.
Molecular consequence: missense variant.
Genome position (GRCh38, 1-based): chr3:183,965,410, T>C on the plus strand (A>G on the coding strand, the complement: ABCC5 is on the minus strand). VCF-style: chr3-183965410-T-C. GRCh37 (hg19) VCF-style: chr3-183683198-T-C.
Other names: c.509A>G, p.Asn170Ser (NM_001320032.2); short protein forms N642S, N170S.
Identifiers: ClinVar variation 91967 (VCV000091967.2), dbSNP rs386352272, ClinGen allele CA232261.
Genomic context (GRCh38, chr3:183,965,410, plus strand): 5'-GCATGACAGAAGCCAAACATTCCTTGCCTTTCTTCATCATATTCCTTCCCAAACAGGATG[T>C]TGTCTCTCAGAGTAGCATTGAGGATCCAGGCCTGCTGGGCCACATAAGCGAAGGTTCCAC-3'
Protein context (NP_005679.2, residues 632-652): AWILNATLRD[Asn642Ser]ILFGKEYDEE